The following is an entry in ClinVar:

NM_018006.5(TRMU):c.706-1G>A

Gene: TRMU (tRNA mitochondrial 2-thiouridylase; plus strand). Cytogenetic location: 22q13.31.
Variant type: single nucleotide variant.
Coding change: c.706-1G>A on transcript NM_018006.5 (MANE Select); the canonical splice acceptor site of the intron before coding-DNA position 706, G replaced by A.
Molecular consequence: splice acceptor variant.
Genome position (GRCh38, 1-based): chr22:46,352,263, G>A. VCF-style: chr22-46352263-G-A. GRCh37 (hg19) VCF-style: chr22-46748160-G-A.
Other names: IVS3AS, G-A, -1; c.706-1G>A (NM_018006.4, NM_001282785.2); c.364-1G>A (NM_001282782.2); c.286-1G>A (NM_001282783.2, NM_001282784.2).
Identifiers: ClinVar variation 1076499 (VCV001076499.14), dbSNP rs778799889, ClinGen allele CA10292198.
Genomic context (GRCh38, chr22:46,352,263, plus strand): 5'-TGGGGCTGCGTGTCTGCCCTGGGCCTAGATCTCCGTCGGTAATGACATGTTTGTTTTCCA[G>A]TATCTGCAGCCTCGACCTGGTCACTTTATTTCCATAGAAGACAATAAGGTTCTGGGAACA-3'

ClinVar aggregate classification (germline): Pathogenic. Review status: criteria provided, multiple submitters, no conflicts (2 of 4 stars). 5 submissions from 5 submitters: Pathogenic (4). 1 of the submissions does not count toward it. Last evaluated 2025-01-23.

Conditions:
TRMU-related disorder. Also called: TRMU-related condition.
Acute infantile liver failure due to synthesis defect of mtDNA-encoded proteins. Also called: TRMU Deficiency; Liver failure acute infantile; LIVER FAILURE, INFANTILE, TRANSIENT. Identifiers: Orphanet 217371, MedGen C3278664, MONDO:0013111, OMIM 613070.

Allele frequency attached by ClinVar (database versions not stated): gnomAD exomes below 0.00001 and 0.00001; ExAC 0.00001; gnomAD 0.00001.
gnomAD v4.1: 9 of 1,614,056 alleles (0.00056%); highest among the groups gnomAD compares: Admixed American, 0.0017%; no homozygotes.

Submissions (5):

Labcorp Genetics (formerly Invitae), Labcorp
Classification: Pathogenic. Last evaluated: 2025-01-23. Review status: criteria provided, single submitter. Criteria: Invitae Variant Classification Sherloc (09022015). Collection method: clinical testing. Allele origin: germline.
Comment: This sequence change affects an acceptor splice site in intron 6 of the TRMU gene. It is expected to disrupt RNA splicing. Variants that disrupt the donor or acceptor splice site typically lead to a loss of protein function (PMID: 16199547), and loss-of-function variants in TRMU are known to be pathogenic (PMID: 19732863, 23625533). This variant is present in population databases (rs778799889, gnomAD 0.0009%). Disruption of this splice site has been observed in individual(s) with acute infantile liver failure (PMID: 19732863). In at least one individual the data is consistent with being in trans (on the opposite chromosome) from a pathogenic variant. ClinVar contains an entry for this variant (Variation ID: 1076499). Algorithms developed to predict the effect of sequence changes on RNA splicing suggest that this variant may disrupt the consensus splice site. For these reasons, this variant has been classified as Pathogenic.

Natera, Inc.
Classification: Pathogenic for Acute infantile liver failure due to synthesis defect of mtDNA-encoded proteins. Last evaluated: 2025-01-08. Review status: criteria provided, single submitter. Criteria: Natera Variant Classification Schema (03/2026). Collection method: clinical testing. Allele origin: germline.
Comment: The c.706-1G>A variant in TRMU is a canonical splice acceptor site variant predicted to affect pre-mRNA splicing, which may result in an abnormal transcript and altered protein product. This variant is expected to result in nonsense mediated decay, truncation, or a dysfunctional protein product. This variant is rare in the general population with a frequency below the threshold expected for the associated phenotype(s). This variant has been observed in one or more individuals affected with the associated recessive disease, as either homozygous or compound heterozygous with a second variant (PMID: 19732863, 36305855). Given the available evidence, this variant is classified as Pathogenic.

Blueprint Genetics
Classification: Pathogenic for TRMU-related disorders. Last evaluated: 2023-04-25. Review status: criteria provided, single submitter. Criteria: ACMG Guidelines, 2015. Collection method: clinical testing. Allele origin: germline. Affected: yes. Observed: 2 variant alleles.

Women's Health and Genetics/Laboratory Corporation of America, LabCorp
Classification: Pathogenic for Acute infantile liver failure due to synthesis defect of mtDNA-encoded proteins. Last evaluated: 2022-10-05. Review status: criteria provided, single submitter. Criteria: LabCorp Variant Classification Summary - May 2015. Collection method: clinical testing. Allele origin: germline.
Comment: Variant summary: TRMU c.706-1G>A is located in a canonical splice-site and is predicted to affect mRNA splicing resulting in a significantly altered protein due to either exon skipping, shortening, or inclusion of intronic material. Several computational tools predict a significant impact on normal splicing: Three predict the variant abolishes the canonical 3' acceptor site and three also predict the variant creates/strengthens a cryptic exonic 3' acceptor site. At least one publication reports experimental evidence that this variant indeed affects mRNA splicing, resulting in exon skipping (e.g. Zeharia_2009). The variant allele was found at a frequency of 4e-06 in 251494 control chromosomes (gnomAD). c.706-1G>A has been reported in the literature as a compound heterozygous genotype in at least one individual affected with acute infantile liver failure (e.g. Zeharia_2009). Two clinical diagnostic laboratories have submitted clinical-significance assessments for this variant to ClinVar after 2014 without evidence for independent evaluation. Both laboratories classified the variant as pathogenic. Based on the evidence outlined above, the variant was classified as pathogenic.

OMIM
Classification: Pathogenic for LIVER FAILURE, INFANTILE, TRANSIENT. Last evaluated: 2009-09-01. Review status: no assertion criteria provided. Collection method: literature only. Allele origin: germline. Not counted in ClinVar's aggregate classification.

Literature cited by the submitters: PubMed 16199547 (cited by Labcorp Genetics (formerly Invitae), Labcorp); PubMed 19732863 (cited by 4 submitters); PubMed 23625533 (cited by Labcorp Genetics (formerly Invitae), Labcorp); PubMed 36305855 (cited by Natera, Inc.).